The following is an entry in ClinVar:

NM_000138.5(FBN1):c.5918-183A>G

Gene: FBN1 (fibrillin 1; minus strand). Cytogenetic location: 15q21.1.
Variant type: single nucleotide variant.
Coding change: c.5918-183A>G on transcript NM_000138.5 (MANE Select); 183 bases into the intron before coding-DNA position 5918, A replaced by G.
Molecular consequence: intron variant.
Genome position (GRCh38, 1-based): chr15:48,444,843, T>C on the plus strand (A>G on the coding strand, the complement: FBN1 is on the minus strand). VCF-style: chr15-48444843-T-C. GRCh37 (hg19) VCF-style: chr15-48737040-T-C.
Identifiers: ClinVar variation 674509 (VCV000674509.1), dbSNP rs56240014, ClinGen allele CA15849941.

ClinVar aggregate classification (germline): Likely benign (1 of 4 stars; one submission).

Allele frequency attached by ClinVar (database versions not stated): gnomAD 0.01989 and 0.02128; TOPMed 0.02336; 1000 Genomes Project 30x 0.04029; 1000 Genomes Project 0.04253.
gnomAD v4.1: 3,319 of 152,160 alleles (2.2%); highest among the groups gnomAD compares: East Asian, 8.3%; 69 homozygotes.

Submission:

GeneDx
Classification: Likely benign. Last evaluated: 2018-06-19. Review status: criteria provided, single submitter. Criteria: GeneDx Variant Classification (06012015). Collection method: clinical testing. Allele origin: germline. Affected: yes.
Comment: This variant is considered likely benign or benign based on one or more of the following criteria: it is a conservative change, it occurs at a poorly conserved position in the protein, it is predicted to be benign by multiple in silico algorithms, and/or has population frequency not consistent with disease.